The following is an entry in ClinVar:

ClinVar aggregate classification (germline): Benign (3 of 4 stars; one submission).

Conditions:
Breast-ovarian cancer, familial, susceptibility to, 2 (BROVCA2). Also called: BRCA2 Hereditary Breast and Ovarian Cancer. Identifiers: Orphanet 145, MedGen C2675520, MONDO:0012933, OMIM 612555. Disease mechanism: loss of function.

Submission:

Evidence-based Network for the Interpretation of Germline Mutant Alleles (ENIGMA)
Classification: Benign for Breast-ovarian cancer, familial, susceptibility to, 2. Last evaluated: 2016-09-28. Review status: reviewed by expert panel. Criteria: ENIGMA BRCA1/2 Classification Criteria (2015). Collection method: curation. Allele origin: germline.
Comment: Class 1 not pathogenic based on frequency >1% in an outbred sampleset. Frequency 0.2972 (European), 0.2579 (African), 0.3084 (Admixed American/Latino), 0.3234 (East Asian), 0.3507 (South Asian), derived from 1000 genomes (2013-05-02).

NM_000059.4(BRCA2):c.6842-375del

Gene: BRCA2 (BRCA2 DNA repair associated; plus strand). Cytogenetic location: 13q13.1.
Variant type: Deletion.
Coding change: c.6842-375del on transcript NM_000059.4 (MANE Select); 375 bases into the intron before coding-DNA position 6842, one base deleted (A; older notation c.6842-375delA).
Molecular consequence: intron variant.
Genome position (GRCh38, 1-based): chr13:32,344,183, A deleted; the last of 17 consecutive A bases (chr13:32,344,167-32,344,183); deleting any one gives the same sequence. VCF-style (leftmost placement, unchanged base first): chr13-32344166-GA-G. GRCh37 (hg19) VCF-style: chr13-32918303-GA-G.
Identifiers: ClinVar variation 264926 (VCV000264926.1), dbSNP rs34225677, ClinGen allele CA10588104.